The following is an entry in ClinVar:

ClinVar aggregate classification (germline): Conflicting classifications of pathogenicity. Review status: criteria provided, conflicting classifications (1 of 4 stars). 7 submissions from 7 submitters: Pathogenic (3); Likely pathogenic (2); Uncertain significance (1). 1 of the submissions does not count toward it. Last evaluated 2025-05-06.

Conditions:
Wilson disease (WND). Also called: Wilson's disease. Identifiers: Orphanet 905, MedGen C0019202, MONDO:0010200, OMIM 277900. Disease mechanism: loss of function.

Allele frequency attached by ClinVar (database versions not stated): TOPMed 0.00001; 1000 Genomes Project 30x 0.00031.
gnomAD v4.1: 2 of 1,614,200 alleles (0.00012%); highest among the groups gnomAD compares: East Asian, 0.0045%; no homozygotes.

Submissions (7):

Myriad Genetics, Inc.
Classification: Likely pathogenic for Wilson disease. Last evaluated: 2025-05-06. Review status: criteria provided, single submitter. Criteria: Myriad Autosomal Dominant, Autosomal Recessive and X-Linked Classification Criteria (2023). Collection method: clinical testing. Allele origin: unknown.
Comment: NM_000053.3(ATP7B):c.3818C>A(P1273Q) is a missense variant classified as likely pathogenic in the context of Wilson disease. P1273Q has been observed in cases with relevant disease (PMID: 37020998, 25465132, 32618023, 31172689, 27398169). Relevant functional assessments of this variant are not available in the literature. P1273Q has not been observed in referenced population frequency databases. In summary, NM_000053.3(ATP7B):c.3818C>A(P1273Q) is a missense variant that has been observed more frequently in cases with the relevant disease than in healthy populations. Please note: this variant was assessed in the context of healthy population screening.

Labcorp Genetics (formerly Invitae), Labcorp
Classification: Pathogenic for Wilson disease. Last evaluated: 2024-03-16. Review status: criteria provided, single submitter. Criteria: Invitae Variant Classification Sherloc (09022015). Collection method: clinical testing. Allele origin: germline.
Comment: This sequence change replaces proline, which is neutral and non-polar, with glutamine, which is neutral and polar, at codon 1273 of the ATP7B protein (p.Pro1273Gln). This variant is not present in population databases (gnomAD no frequency). This missense change has been observed in individual(s) with Wilson disease (PMID: 16696937, 18483695, 25465132, 27398169). It has also been observed to segregate with disease in related individuals. ClinVar contains an entry for this variant (Variation ID: 553360). Advanced modeling of protein sequence and biophysical properties (such as structural, functional, and spatial information, amino acid conservation, physicochemical variation, residue mobility, and thermodynamic stability) performed at Invitae indicates that this missense variant is expected to disrupt ATP7B protein function with a positive predictive value of 80%. Experimental studies have shown that this missense change affects ATP7B function (PMID: 22692182). This variant disrupts the p.Pro1273 amino acid residue in ATP7B. Other variant(s) that disrupt this residue have been determined to be pathogenic (PMID: 15024742, 17272994, 20485189, 23551039). This suggests that this residue is clinically significant, and that variants that disrupt this residue are likely to be disease-causing. For these reasons, this variant has been classified as Pathogenic.

3billion
Classification: Pathogenic for Wilson disease. Last evaluated: 2024-01-04. Review status: criteria provided, single submitter. Criteria: ACMG Guidelines, 2015. Collection method: clinical testing. Allele origin: germline. Affected: yes.
Comment: The variant is not observed in the gnomAD v2.1.1 dataset. Predicted Consequence/Location: Missense variant In silico tool predictions suggest damaging effect of the variant on gene or gene product [REVEL: 0.94 (>=0.6, sensitivity 0.68 and specificity 0.92); 3Cnet: 0.71 (>=0.6, sensitivity 0.72 and precision 0.9)]. Same nucleotide change resulting in same amino acid change has been previously reported as pathogenic/likely pathogenic with strong evidence (ClinVar ID: VCV000553360 /PMID: 16696937). Different missense changes at the same codon (p.Pro1273Leu, p.Pro1273Ser) have been reported as pathogenic/likely pathogenic with strong evidence (ClinVar ID: VCV000189139 /PMID: 14974157, 8931691). Therefore, this variant is classified as Pathogenic according to the recommendation of ACMG/AMP guideline.

Chongqing Key Laboratory of Child Rare Diseases in Infection and Immunity, Children’s Hospital of Chongqing Medical University
Classification: Uncertain significance for Wilson disease. Last evaluated: 2024-01-01. Review status: criteria provided, single submitter. Criteria: ACMG Guidelines, 2015. Collection method: clinical testing. Allele origin: germline. Inheritance: Autosomal recessive inheritance. Affected: yes.
Comment: Classified as Uncertain significance according to the ACMG/AMP 2015 guidelines (PMID:25741868). The classification was based on the available submitted evidence for Wilson disease (OMIM:277900), including clinical-testing observations, variant consequence/protein annotation, and published or ClinVar evidence where available. Supporting information considered: variant annotation: p.Pro1273Gln; Missense; Protein domain: Core (post-N); submitted notation: NM_000053.4:c.3818C>A (p.Pro1273Gln); source variant type: Missense; source domain: Core (post-N); allele count n=230: 1.

Women's Health and Genetics/Laboratory Corporation of America, LabCorp
Classification: Pathogenic for Wilson disease. Last evaluated: 2022-03-07. Review status: criteria provided, single submitter. Criteria: LabCorp Variant Classification Summary - May 2015. Collection method: clinical testing. Allele origin: germline.
Comment: Variant summary: ATP7B c.3818C>A (p.Pro1273Gln) results in a non-conservative amino acid change located in the P-type ATPase, haloacid dehalogenase domain (IPR044492) of the encoded protein sequence. Five of five in-silico tools predict a damaging effect of the variant on protein function. The variant was absent in 249564 control chromosomes (gnomAD). c.3818C>A has been reported in the literature in two homozygous individuals affected with Wilson Disease (example: El-Mougy_2014) and the variant seggregated with the disease. These data indicate that the variant is likely to be associated with disease. Schushan_2012 demonstrated that P1273 changes to S/L/Q leads to very low copper uptake. Another variant affecting the same codon has been classified as pathogenic by our lab (p.Pro1273Leu). Three clinical diagnostic laboratories have submitted clinical-significance assessments for this variant to ClinVar after 2014 without evidence for independent evaluation. All laboratories classified the variant as pathogenic (n=1) and likely pathogenic (n=2). Based on the evidence outlined above, the variant was classified as pathogenic.

Genome-Nilou Lab
Classification: Likely pathogenic for Wilson disease. Last evaluated: 2021-08-10. Review status: criteria provided, single submitter. Criteria: ACMG Guidelines, 2015. Collection method: clinical testing. Allele origin: germline. Affected: no.

Counsyl
Classification: Likely pathogenic for Wilson disease. Last evaluated: 2017-08-16. Review status: no assertion criteria provided. Collection method: clinical testing. Allele origin: unknown. Not counted in ClinVar's aggregate classification.

Literature cited by the submitters: PubMed 25465132 (cited by 3 submitters); PubMed 27398169 (cited by 3 submitters); PubMed 31172689 (cited by Myriad Genetics, Inc.); PubMed 32618023 (cited by Myriad Genetics, Inc.); PubMed 37020998 (cited by Myriad Genetics, Inc.); PubMed 16696937 (cited by Labcorp Genetics (formerly Invitae), Labcorp and 3billion); PubMed 18483695 (cited by Labcorp Genetics (formerly Invitae), Labcorp and Counsyl); PubMed 22692182 (cited by 3 submitters); PubMed 15024742 (cited by Labcorp Genetics (formerly Invitae), Labcorp); PubMed 17272994 (cited by Labcorp Genetics (formerly Invitae), Labcorp); PubMed 20485189 (cited by Labcorp Genetics (formerly Invitae), Labcorp); PubMed 23551039 (cited by Labcorp Genetics (formerly Invitae), Labcorp); PubMed 14974157 (cited by 3billion); PubMed 20931554 (cited by Counsyl); PubMed 21034864 (cited by Counsyl); PubMed 27982432 (cited by Counsyl); PubMed 18034201 (cited by Counsyl); PubMed 27022412 (cited by Counsyl).

NM_000053.4(ATP7B):c.3818C>A (p.Pro1273Gln)

Gene: ATP7B (ATPase copper transporting beta; minus strand). Cytogenetic location: 13q14.3.
Variant type: single nucleotide variant.
Coding change: c.3818C>A on transcript NM_000053.4 (MANE Select); coding-DNA position 3818, C replaced by A.
Protein change: p.Pro1273Gln; replaces proline 1273 with glutamine.
Molecular consequence: missense variant.
Genome position (GRCh38, 1-based): chr13:51,937,561, G>T on the plus strand (C>A on the coding strand, the complement: ATP7B is on the minus strand). VCF-style: chr13-51937561-G-T. GRCh37 (hg19) VCF-style: chr13-52511697-G-T.
Other names: c.3197C>A, p.Pro1066Gln (NM_001005918.3); c.3485C>A, p.Pro1162Gln (NM_001243182.2); c.3584C>A, p.Pro1195Gln (NM_001330578.2); c.3566C>A, p.Pro1189Gln (NM_001330579.2); short protein forms P1273Q, P1195Q, P1066Q, P1162Q, P1189Q.
Identifiers: ClinVar variation 553360 (VCV000553360.18), dbSNP rs758355520, ClinGen allele CA388021893.